The following is an entry in ClinVar:

ClinVar aggregate classification (germline): Uncertain significance (1 of 4 stars; one submission).

Conditions:
Autosomal recessive limb-girdle muscular dystrophy type 2Y (MRRSDC). Also called: Muscular dystrophy, autosomal recessive, with rigid spine and distal joint contractures; Muscular dystrophy, limb-girdle, type 2y. Identifiers: Orphanet 424261, MedGen C4511482, MONDO:0014900, OMIM 617072.

Submission:

Labcorp Genetics (formerly Invitae), Labcorp
Classification: Uncertain significance for Autosomal recessive limb-girdle muscular dystrophy type 2Y. Last evaluated: 2022-06-25. Review status: criteria provided, single submitter. Criteria: Invitae Variant Classification Sherloc (09022015). Collection method: clinical testing. Allele origin: germline.
Comment: This variant is not present in population databases (gnomAD no frequency). This sequence change replaces threonine, which is neutral and polar, with serine, which is neutral and polar, at codon 176 of the TOR1AIP1 protein (p.Thr176Ser). This variant has not been reported in the literature in individuals affected with TOR1AIP1-related conditions. Algorithms developed to predict the effect of missense changes on protein structure and function output the following: SIFT: "Tolerated"; PolyPhen-2: "Benign"; Align-GVGD: "Class C0". The serine amino acid residue is found in multiple mammalian species, which suggests that this missense change does not adversely affect protein function. In summary, the available evidence is currently insufficient to determine the role of this variant in disease. Therefore, it has been classified as a Variant of Uncertain Significance.

NM_015602.4(TOR1AIP1):c.527C>G (p.Thr176Ser)

Gene: TOR1AIP1 (torsin 1A interacting protein 1; plus strand). Cytogenetic location: 1q25.2.
Variant type: single nucleotide variant.
Coding change: c.527C>G on transcript NM_015602.4 (MANE Select); coding-DNA position 527, C replaced by G.
Protein change: p.Thr176Ser; replaces threonine 176 with serine.
Molecular consequence: missense variant.
Genome position (GRCh38, 1-based): chr1:179,884,743, C>G. VCF-style: chr1-179884743-C-G. GRCh37 (hg19) VCF-style: chr1-179853878-C-G.
Other names: c.527C>G, p.Thr176Ser (NM_001267578.2); short protein forms T176S.
Identifiers: ClinVar variation 2010695 (VCV002010695.4), dbSNP rs2526567012, ClinGen allele CA343579359.